The following is an entry in ClinVar:

ClinVar aggregate classification (germline): Pathogenic (1 of 4 stars; one submission).

Conditions:
LAMA2-related muscular dystrophy (LAMA2-RD). Also called: Laminin alpha 2-related dystrophy. Identifiers: MedGen C5679788, MONDO:0100228.

Submission:

Labcorp Genetics (formerly Invitae), Labcorp
Classification: Pathogenic for LAMA2-related muscular dystrophy. Last evaluated: 2022-02-02. Review status: criteria provided, single submitter. Criteria: Invitae Variant Classification Sherloc (09022015). Collection method: clinical testing. Allele origin: germline.
Comment: A gross deletion of the genomic region encompassing the full coding sequence of the LAMA2 gene has been identified. Loss-of-function variants in LAMA2 are known to be pathogenic (PMID: 18700894, 32904964). The boundaries of this event are unknown as they extend beyond the assayed region for this gene and therefore may encompass additional genes. This variant has not been reported in the literature in individuals affected with LAMA2-related conditions. For these reasons, this variant has been classified as Pathogenic.

Literature cited by the submitters: PubMed 18700894; PubMed 32904964.

NC_000006.11:g.(?_129204381)_(129837502_?)del

Gene: LAMA2 (laminin subunit alpha 2; plus strand). Cytogenetic location: 6q22.33.
Variant type: Deletion.
Identifiers: ClinVar variation 1075509 (VCV001075509.2).